The following is an entry in ClinVar:

ClinVar aggregate classification (germline): Uncertain significance (1 of 4 stars; one submission).

Conditions:
Congenital myasthenic syndrome 2A. Also called: Myasthenic syndrome, congenital, 2a, slow-channel. Identifiers: Orphanet 590, MedGen C4225374, MONDO:0014581, OMIM 616313.

Submission:

Labcorp Genetics (formerly Invitae), Labcorp
Classification: Uncertain significance for Congenital myasthenic syndrome 2A. Last evaluated: 2020-12-22. Review status: criteria provided, single submitter. Criteria: Invitae Variant Classification Sherloc (09022015). Collection method: clinical testing. Allele origin: germline.
Comment: This variant has not been reported in the literature in individuals with CHRNB1-related conditions. In summary, the available evidence is currently insufficient to determine the role of this variant in disease. Therefore, it has been classified as a Variant of Uncertain Significance. Experimental studies and prediction algorithms are not available or were not evaluated, and the functional significance of this variant is currently unknown. This variant is a gross deletion of the genomic region encompassing exon(s) 8-11 of the CHRNB1 gene. The 5' boundary is likely confined to intron 7. The 3' end of this event is unknown as it extends through the termination codon beyond the assayed region for this gene and may encompass additional genes. While this deletion is not anticipated to lead to nonsense mediated decay, it is expected to alter mRNA translation or result in a truncated protein product.

NC_000017.10:g.(?_7357606)_(7360052_?)del

Gene: CHRNB1 (cholinergic receptor nicotinic beta 1 subunit; plus strand). Cytogenetic location: 17p13.1.
Variant type: Deletion.
Identifiers: ClinVar variation 1496580 (VCV001496580.6).